The following is an entry in ClinVar:

NM_030973.4(MED25):c.1861C>T (p.Pro621Ser)

Gene: MED25 (mediator complex subunit 25; plus strand). Cytogenetic location: 19q13.33.
Variant type: single nucleotide variant.
Coding change: c.1861C>T on transcript NM_030973.4 (MANE Select); coding-DNA position 1861, C replaced by T.
Protein change: p.Pro621Ser; replaces proline 621 with serine.
Molecular consequence: missense variant.
Genome position (GRCh38, 1-based): chr19:49,835,841, C>T. VCF-style: chr19-49835841-C-T. GRCh37 (hg19) VCF-style: chr19-50339098-C-T.
Other names: c.1861C>T, p.Pro621Ser (NM_001378355.1); short protein forms P621S.
Identifiers: ClinVar variation 1370101 (VCV001370101.4), dbSNP rs543247926, ClinGen allele CA9585403.

ClinVar aggregate classification (germline): Uncertain significance (1 of 4 stars; one submission).

Conditions:
Charcot-Marie-Tooth disease type 2. Also called: Charcot-Marie-Tooth type 2. Identifiers: Orphanet 64746, MedGen C0270914, MONDO:0018993.

Allele frequency attached by ClinVar (database versions not stated): gnomAD 0.00001; gnomAD exomes 0.00001 and 0.00002; ExAC 0.00003; TOPMed 0.00001; 1000 Genomes Project 30x 0.00016; 1000 Genomes Project 0.00020.

Submission:

Labcorp Genetics (formerly Invitae), Labcorp
Classification: Uncertain significance for Charcot-Marie-Tooth disease type 2. Last evaluated: 2023-08-04. Review status: criteria provided, single submitter. Criteria: Invitae Variant Classification Sherloc (09022015). Collection method: clinical testing. Allele origin: germline.
Comment: This sequence change replaces proline, which is neutral and non-polar, with serine, which is neutral and polar, at codon 621 of the MED25 protein (p.Pro621Ser). This variant is present in population databases (rs543247926, gnomAD 0.02%). This variant has not been reported in the literature in individuals affected with MED25-related conditions. ClinVar contains an entry for this variant (Variation ID: 1370101). An algorithm developed to predict the effect of missense changes on protein structure and function (PolyPhen-2) suggests that this variant¬†is likely to be tolerated. In summary, the available evidence is currently insufficient to determine the role of this variant in disease. Therefore, it has been classified as a Variant of Uncertain Significance.